The following is an entry in ClinVar:

NM_001393797.1(ABCC12):c.3906C>T (p.Ala1302=)

Gene: ABCC12 (ATP binding cassette subfamily C member 12; minus strand). Cytogenetic location: 16q12.1.
Variant type: single nucleotide variant.
Coding change: c.3906C>T on transcript NM_001393797.1 (MANE Select); coding-DNA position 3906, C replaced by T.
Protein change: p.Ala1302=; no amino-acid change (alanine 1302 retained).
Molecular consequence: synonymous variant. On other transcripts: non-coding transcript variant (8).
Genome position (GRCh38, 1-based): chr16:48,083,996, G>A on the plus strand (C>T on the coding strand, the complement: ABCC12 is on the minus strand). VCF-style: chr16-48083996-G-A. GRCh37 (hg19) VCF-style: chr16-48117907-G-A.
Other names: c.435C>T, p.Ala145= (NM_001393798.1); c.528C>T, p.Ala176= (NM_001393799.1); c.3906C>T, p.Ala1302= (NM_033226.3).
Identifiers: ClinVar variation 4979151 (VCV004979151.1).

ClinVar aggregate classification (germline): Likely benign (1 of 4 stars; one submission).

Conditions:
ABCC12-related condition.

gnomAD v4.1: 148 of 1,612,808 alleles (0.0092%); highest among the groups gnomAD compares: South Asian, 0.029%; 1 homozygote.

Submission:

PreventionGenetics, part of Exact Sciences
Classification: Likely benign for ABCC12-related condition. Last evaluated: 2026-03-24. Review status: criteria provided, single submitter. Criteria: ACMG Guidelines, 2015. Collection method: clinical testing. Allele origin: germline.
Comment: This variant is classified as likely benign based on ACMG/AMP sequence variant interpretation guidelines (Richards et al. 2015 PMID: 25741868, with internal and published modifications).